The following is an entry in ClinVar:

ClinVar aggregate classification (germline): Uncertain significance. Review status: criteria provided, multiple submitters, no conflicts (2 of 4 stars). 2 submissions from 2 submitters: Uncertain significance (2). Last evaluated 2025-11-26.

Conditions:
Inborn genetic diseases. Identifiers: MedGen C0950123, MeSH D030342.

gnomAD v4.1: 1 of 1,611,916 alleles (0.000062%); no homozygotes.

Submissions (2):

Ambry Genetics
Classification: Uncertain significance for Inborn genetic diseases. Last evaluated: 2025-11-26. Review status: criteria provided, single submitter. Criteria: Ambry Variant Classification Scheme 2023. Collection method: clinical testing. Allele origin: germline.

Labcorp Genetics (formerly Invitae), Labcorp
Classification: Uncertain significance. Last evaluated: 2022-08-19. Review status: criteria provided, single submitter. Criteria: Invitae Variant Classification Sherloc (09022015). Collection method: clinical testing. Allele origin: germline.
Comment: In summary, the available evidence is currently insufficient to determine the role of this variant in disease. Therefore, it has been classified as a Variant of Uncertain Significance. Algorithms developed to predict the effect of missense changes on protein structure and function are either unavailable or do not agree on the potential impact of this missense change (SIFT: "Deleterious"; PolyPhen-2: "Probably Damaging"; Align-GVGD: "Class C0"). This variant has not been reported in the literature in individuals affected with COQ9-related conditions. This variant is not present in population databases (gnomAD no frequency). This sequence change replaces glycine, which is neutral and non-polar, with glutamic acid, which is acidic and polar, at codon 232 of the COQ9 protein (p.Gly232Glu).

NM_020312.4(COQ9):c.695G>A (p.Gly232Glu)

Gene: COQ9 (coenzyme Q9; plus strand). Cytogenetic location: 16q21.
Variant type: single nucleotide variant.
Coding change: c.695G>A on transcript NM_020312.4 (MANE Select); coding-DNA position 695, G replaced by A.
Protein change: p.Gly232Glu; replaces glycine 232 with glutamic acid.
Molecular consequence: missense variant.
Genome position (GRCh38, 1-based): chr16:57,458,334, G>A. VCF-style: chr16-57458334-G-A. GRCh37 (hg19) VCF-style: chr16-57492246-G-A.
Other names: c.695G>A (NM_020312.3); short protein forms G232E.
Identifiers: ClinVar variation 1717000 (VCV001717000.4), dbSNP rs1392927152, ClinGen allele CA396029477.
Genomic context (GRCh38, chr16:57,458,334, plus strand): 5'-ACATCCCGTCCAGCCTGAGCCTGCTCACCAGCATGGTGGATGACATGTGGCATTACGCTG[G>A]GGACCAGTCCACTGATGTGAGTGCTTTCTGCAGGCCCACAGGAGGCTGGGAAAGGCTTGT-3'
Protein context (NP_064708.1, residues 222-242): SMVDDMWHYA[Gly232Glu]DQSTDFNWYT